The following is an entry in ClinVar:

ClinVar aggregate classification (germline): Uncertain significance (1 of 4 stars; one submission).

Conditions:
Developmental and epileptic encephalopathy, 30 (DEE30). Also called: Epileptic encephalopathy, early infantile, 30. Identifiers: MedGen C4225360, MONDO:0014595, OMIM 616341.

Submission:

Labcorp Genetics (formerly Invitae), Labcorp
Classification: Uncertain significance for Developmental and epileptic encephalopathy, 30. Last evaluated: 2025-01-06. Review status: criteria provided, single submitter. Criteria: Invitae Variant Classification Sherloc (09022015). Collection method: clinical testing. Allele origin: germline.
Comment: This sequence change replaces aspartic acid, which is acidic and polar, with asparagine, which is neutral and polar, at codon 765 of the SIK1 protein (p.Asp765Asn). This variant is present in population databases (rs755238635, gnomAD 0.002%). This variant has not been reported in the literature in individuals affected with SIK1-related conditions. Invitae Evidence Modeling of protein sequence and biophysical properties (such as structural, functional, and spatial information, amino acid conservation, physicochemical variation, residue mobility, and thermodynamic stability) indicates that this missense variant is not expected to disrupt SIK1 protein function with a negative predictive value of 95%. In summary, the available evidence is currently insufficient to determine the role of this variant in disease. Therefore, it has been classified as a Variant of Uncertain Significance.

NM_173354.5(SIK1):c.2293G>A (p.Asp765Asn)

Gene: SIK1 (salt inducible kinase 1; minus strand). Cytogenetic location: 21q22.3.
Variant type: single nucleotide variant.
Coding change: c.2293G>A on transcript NM_173354.5 (MANE Select); coding-DNA position 2293, G replaced by A.
Protein change: p.Asp765Asn; replaces aspartic acid 765 with asparagine.
Molecular consequence: missense variant.
Genome position (GRCh38, 1-based): chr21:43,416,801, C>T on the plus strand (G>A on the coding strand, the complement: SIK1 is on the minus strand). VCF-style: chr21-43416801-C-T. GRCh37 (hg19) VCF-style: chr21-44836681-C-T.
Other names: short protein forms D765N.
Identifiers: ClinVar variation 3637831 (VCV003637831.2).